The following is an entry in ClinVar:

ClinVar aggregate classification (germline): Conflicting classifications of pathogenicity. Review status: criteria provided, conflicting classifications (1 of 4 stars). 2 submissions from 2 submitters: Uncertain significance (1); Likely benign (1). Last evaluated 2024-10-16.

Conditions:
Neuropathy, hereditary sensory and autonomic, type 2A (HSAN2A). Also called: WNK1-Related HSAN2 (HSAN2A); HSAN IIA; ACROOSTEOLYSIS, GIACCAI TYPE; ACROOSTEOLYSIS, NEUROGENIC; MORVAN DISEASE; NEUROPATHY, CONGENITAL SENSORY. Identifiers: Orphanet 970, MedGen C2752089, MONDO:0024309, OMIM 201300.
Generalized epilepsy with febrile seizures plus, type 7 (GEFSP7). Also called: GEFS+, TYPE 7. Identifiers: Orphanet 36387, MedGen C2751778, MONDO:0013470, OMIM 613863.

Allele frequency attached by ClinVar (database versions not stated): gnomAD exomes below 0.00001.
gnomAD v4.1: 3 of 1,574,870 alleles (0.00019%); highest among the groups gnomAD compares: Non-Finnish European, 0.00017%; no homozygotes.

Submissions (2):

Labcorp Genetics (formerly Invitae), Labcorp
Classification: Likely benign for Neuropathy, hereditary sensory and autonomic, type 2A; Generalized epilepsy with febrile seizures plus, type 7. Last evaluated: 2024-10-16. Review status: criteria provided, single submitter. Criteria: Invitae Variant Classification Sherloc (09022015). Collection method: clinical testing. Allele origin: germline.

GeneDx
Classification: Uncertain significance. Last evaluated: 2023-03-03. Review status: criteria provided, single submitter. Criteria: GeneDx Variant Classification Process June 2021. Collection method: clinical testing. Allele origin: germline. Affected: yes.
Comment: Not observed at significant frequency in large population cohorts (gnomAD); In silico analysis supports that this variant does not alter splicing; Has not been previously published as pathogenic or benign to our knowledge

NM_001365536.1(SCN9A):c.267A>C (p.Ile89=)

Gene: SCN9A (sodium voltage-gated channel alpha subunit 9; minus strand). Cytogenetic location: 2q24.3.
Variant type: single nucleotide variant.
Coding change: c.267A>C on transcript NM_001365536.1 (MANE Select); coding-DNA position 267, A replaced by C.
Protein change: p.Ile89=; no amino-acid change (isoleucine 89 retained).
Molecular consequence: synonymous variant.
Genome position (GRCh38, 1-based): chr2:166,307,066, T>G on the plus strand (A>C on the coding strand, the complement: SCN9A is on the minus strand). VCF-style: chr2-166307066-T-G. GRCh37 (hg19) VCF-style: chr2-167163576-T-G.
Other names: c.267A>C, p.Ile89= (NM_002977.4).
Identifiers: ClinVar variation 1156031 (VCV001156031.9), dbSNP rs200809157, ClinGen allele CA59809503.
Genomic context (GRCh38, chr2:166,307,066, plus strand): 5'-AAGCATATATAAAGCAGGTGTGGCATTGAAACGGAAGATTGTTTTCCCTTTGTTCAATAC[T>G]ATGAAAGTCTGCAGGAGGAAAAAGAAAGGATGAAATTGAGAATCCAAAATATCAATTTTT-3'
Protein context (NP_001352465.1, residues 79-99): DPYYADKKTF[Ile89=]VLNKGKTIFR